The following is an entry in ClinVar:

ClinVar aggregate classification (germline): Uncertain significance. Review status: criteria provided, multiple submitters, no conflicts (2 of 4 stars). 2 submissions from 2 submitters: Uncertain significance (2). Last evaluated 2024-11-25.

Conditions:
Inborn genetic diseases. Identifiers: MedGen C0950123, MeSH D030342.
MEGF10-related myopathy (CMYO10A). Also called: Congenital myopathy 10A, severe variant. Identifiers: Orphanet 439212, MedGen C3280679, MONDO:0013731, OMIM 614399.

Allele frequency attached by ClinVar (database versions not stated): gnomAD exomes 0.00001.
gnomAD v4.1: 7 of 1,613,718 alleles (0.00043%); highest among the groups gnomAD compares: African/African-American, 0.0027%; no homozygotes.

Submissions (2):

Ambry Genetics
Classification: Uncertain significance for Inborn genetic diseases. Last evaluated: 2024-11-25. Review status: criteria provided, single submitter. Criteria: Ambry Variant Classification Scheme 2023. Collection method: clinical testing. Allele origin: germline.

Labcorp Genetics (formerly Invitae), Labcorp
Classification: Uncertain significance for MEGF10-related myopathy. Last evaluated: 2021-08-26. Review status: criteria provided, single submitter. Criteria: Invitae Variant Classification Sherloc (09022015). Collection method: clinical testing. Allele origin: germline.
Comment: This sequence change replaces aspartic acid with asparagine at codon 811 of the MEGF10 protein (p.Asp811Asn). The aspartic acid residue is highly conserved and there is a small physicochemical difference between aspartic acid and asparagine. This variant is not present in population databases (ExAC no frequency). This variant has not been reported in the literature in individuals affected with MEGF10-related conditions. Algorithms developed to predict the effect of missense changes on protein structure and function are either unavailable or do not agree on the potential impact of this missense change (SIFT: "Deleterious"; PolyPhen-2: "Probably Damaging"; Align-GVGD: "Class C15"). In summary, the available evidence is currently insufficient to determine the role of this variant in disease. Therefore, it has been classified as a Variant of Uncertain Significance.

NM_001256545.2(MEGF10):c.2431G>A (p.Asp811Asn)

Gene: MEGF10 (multiple EGF like domains 10; plus strand). Cytogenetic location: 5q23.2.
Variant type: single nucleotide variant.
Coding change: c.2431G>A on transcript NM_001256545.2 (MANE Select); coding-DNA position 2431, G replaced by A.
Protein change: p.Asp811Asn; replaces aspartic acid 811 with asparagine.
Molecular consequence: missense variant.
Genome position (GRCh38, 1-based): chr5:127,443,066, G>A. VCF-style: chr5-127443066-G-A. GRCh37 (hg19) VCF-style: chr5-126778758-G-A.
Other names: c.2431G>A, p.Asp811Asn (NM_032446.3); short protein forms D811N.
Identifiers: ClinVar variation 846477 (VCV000846477.8), dbSNP rs1554102007, ClinGen allele CA360734364.